The following is an entry in ClinVar:

ClinVar aggregate classification (germline): Uncertain significance (1 of 4 stars; one submission).

Conditions:
Nephronophthisis 15 (NPHP15). Identifiers: Orphanet 3156, MedGen C3541853, MONDO:0013917, OMIM 614845.

Allele frequency attached by ClinVar (database versions not stated): gnomAD exomes below 0.00001.
gnomAD v4.1: 5 of 1,606,460 alleles (0.00031%); highest among the groups gnomAD compares: Non-Finnish European, 0.00034%; no homozygotes.

Submission:

Labcorp Genetics (formerly Invitae), Labcorp
Classification: Uncertain significance for Nephronophthisis 15. Last evaluated: 2022-06-14. Review status: criteria provided, single submitter. Criteria: Invitae Variant Classification Sherloc (09022015). Collection method: clinical testing. Allele origin: germline.
Comment: This sequence change falls in intron 8 of the CEP164 gene. It does not directly change the encoded amino acid sequence of the CEP164 protein. It affects a nucleotide within the consensus splice site. In summary, the available evidence is currently insufficient to determine the role of this variant in disease. Therefore, it has been classified as a Variant of Uncertain Significance. Variants that disrupt the consensus splice site are a relatively common cause of aberrant splicing (PMID: 17576681, 9536098). Algorithms developed to predict the effect of sequence changes on RNA splicing suggest that this variant may disrupt the consensus splice site. This variant has not been reported in the literature in individuals affected with CEP164-related conditions. This variant is not present in population databases (gnomAD no frequency).

Literature cited by the submitters: PubMed 17576681; PubMed 9536098.

NM_014956.5(CEP164):c.765+6A>G

Gene: CEP164 (centrosomal protein 164; plus strand). Cytogenetic location: 11q23.3.
Variant type: single nucleotide variant.
Coding change: c.765+6A>G on transcript NM_014956.5 (MANE Select); 6 bases into the intron after coding-DNA position 765, A replaced by G.
Molecular consequence: intron variant.
Genome position (GRCh38, 1-based): chr11:117,363,512, A>G. VCF-style: chr11-117363512-A-G. GRCh37 (hg19) VCF-style: chr11-117234228-A-G.
Other names: c.765+6A>G (NM_001271933.2).
Identifiers: ClinVar variation 1519752 (VCV001519752.6), dbSNP rs2041252535, ClinGen allele CA476896991.